The following is an entry in ClinVar:

ClinVar aggregate classification (germline): Pathogenic. Review status: criteria provided, multiple submitters, no conflicts (2 of 4 stars). 2 submissions from 2 submitters: Pathogenic (2). Last evaluated 2025-03-14.

Conditions:
Autosomal recessive limb-girdle muscular dystrophy type 2B (LGMDR2). Also called: Limb-Girdle Muscular Dystrophy Type 2B (LGMD2B); MUSCULAR DYSTROPHY, LIMB-GIRDLE, TYPE 3; Limb-girdle muscular dystrophy, type 2B; MUSCULAR DYSTROPHY, LIMB-GIRDLE, AUTOSOMAL RECESSIVE 2. Identifiers: Orphanet 268, MedGen C1850889, MONDO:0009676, OMIM 253601.

Submissions (2):

Natera, Inc.
Classification: Pathogenic for Limb-girdle muscular dystrophy type 2B. Last evaluated: 2025-03-14. Review status: criteria provided, single submitter. Criteria: Natera Variant Classification Schema (03/2026). Collection method: clinical testing. Allele origin: germline.
Comment: The c.2419C>T variant in DYSF is a nonsense variant predicted to introduce a stop codon at amino acid 807. This variant is expected to result in nonsense mediated decay, truncation, or a dysfunctional protein product. This variant is rare in the general population with a frequency below the threshold expected for the associated phenotype(s). This variant has been observed in one or more individuals affected with the associated recessive disease, as either homozygous or compound heterozygous with a second variant (PMID: 31693312). Additionally, this variant has been observed to segregate in affected family members (PMID: 31693312). Given the available evidence, this variant is classified as Pathogenic.

Genetic Research, Kawsar Human Genetics Research Center
Classification: Pathogenic for Autosomal recessive limb-girdle muscular dystrophy type 2B. Review status: criteria provided, single submitter. Criteria: ACMG Guidelines, 2015. Collection method: research. Allele origin: germline. Inheritance: Autosomal recessive inheritance. Affected: yes. Observed: 1 homozygote.

Literature cited by the submitters: PubMed 31693312 (cited by Natera, Inc.).

NM_001130987.2(DYSF):c.2473C>T (p.Gln825Ter)

Gene: DYSF (dysferlin; plus strand). Cytogenetic location: 2p13.2.
Variant type: single nucleotide variant.
Coding change: c.2473C>T on transcript NM_001130987.2 (MANE Select); coding-DNA position 2473, C replaced by T.
Protein change: p.Gln825Ter; replaces glutamine 825 with a stop codon.
Molecular consequence: nonsense.
Genome position (GRCh38, 1-based): chr2:71,564,121, C>T. VCF-style: chr2-71564121-C-T. GRCh37 (hg19) VCF-style: chr2-71791251-C-T.
Other names: c.2422C>T, p.Gln808Ter (NM_001130455.2, NM_001130983.2); c.2377C>T, p.Gln793Ter (NM_001130976.2, NM_001130977.2); c.2419C>T, p.Gln807Ter (NM_001130978.2, NM_003494.4); c.2512C>T, p.Gln838Ter (NM_001130979.2); c.2470C>T, p.Gln824Ter (NM_001130980.2, NM_001130981.2); c.2515C>T, p.Gln839Ter (NM_001130982.2); c.2380C>T, p.Gln794Ter (NM_001130984.2, NM_001130986.2); c.2473C>T, p.Gln825Ter (NM_001130985.2); short protein forms Q807*, Q825*, Q793*, Q808*, Q824*, Q838*, Q794*, Q839*.
Identifiers: ClinVar variation 638644 (VCV000638644.4), dbSNP rs1574016452, ClinGen allele CA347211350.